The following is an entry in ClinVar:

ClinVar aggregate classification (germline): Uncertain significance (1 of 4 stars; one submission).

Conditions:
Glycogen storage disease type III (GSD3). Also called: Cori disease; FORBES DISEASE. Identifiers: Orphanet 366, MedGen C0017922, MONDO:0009291, OMIM 232400.

Submission:

Labcorp Genetics (formerly Invitae), Labcorp
Classification: Uncertain significance for Glycogen storage disease type III. Last evaluated: 2021-08-27. Review status: criteria provided, single submitter. Criteria: Invitae Variant Classification Sherloc (09022015). Collection method: clinical testing. Allele origin: germline.
Comment: This sequence change replaces lysine with glutamic acid at codon 79 of the AGL protein (p.Lys79Glu). The lysine residue is moderately conserved and there is a small physicochemical difference between lysine and glutamic acid. This variant is not present in population databases (ExAC no frequency). This variant has not been reported in the literature in individuals affected with AGL-related conditions. Algorithms developed to predict the effect of missense changes on protein structure and function (SIFT, PolyPhen-2, Align-GVGD) all suggest that this variant is likely to be tolerated. In summary, the available evidence is currently insufficient to determine the role of this variant in disease. Therefore, it has been classified as a Variant of Uncertain Significance.

NM_000642.3(AGL):c.235A>G (p.Lys79Glu)

Gene: AGL (amylo-alpha-1,6-glucosidase and 4-alpha-glucanotransferase; plus strand). Cytogenetic location: 1p21.2.
Variant type: single nucleotide variant.
Coding change: c.235A>G on transcript NM_000642.3 (MANE Select); coding-DNA position 235, A replaced by G.
Protein change: p.Lys79Glu; replaces lysine 79 with glutamic acid.
Molecular consequence: missense variant.
Genome position (GRCh38, 1-based): chr1:99,861,655, A>G. VCF-style: chr1-99861655-A-G. GRCh37 (hg19) VCF-style: chr1-100327211-A-G.
Other names: c.235A>G, p.Lys79Glu (NM_000028.3, NM_000643.3, NM_000644.3 and 5 more transcripts); c.187A>G, p.Lys63Glu (NM_000646.3); short protein forms K79E, K63E.
Identifiers: ClinVar variation 956135 (VCV000956135.7), dbSNP rs1650047298, ClinGen allele CA341329660.